The following is an entry in ClinVar:

ClinVar aggregate classification (germline): Uncertain significance. Review status: criteria provided, multiple submitters, no conflicts (2 of 4 stars). 3 submissions from 3 submitters: Uncertain significance (3). Last evaluated 2025-09-28.

Conditions:
TTC21B-related disorder. Also called: TTC21B-related condition; TTC21B-related disorders.
Inborn genetic diseases. Identifiers: MedGen C0950123, MeSH D030342.

gnomAD v4.1: 25 of 1,613,508 alleles (0.0015%); highest among the groups gnomAD compares: Non-Finnish European, 0.002%; no homozygotes.

Submissions (3):

Ambry Genetics
Classification: Uncertain significance for Inborn genetic diseases. Last evaluated: 2025-09-28. Review status: criteria provided, single submitter. Criteria: Ambry Variant Classification Scheme 2023. Collection method: clinical testing. Allele origin: germline.

PreventionGenetics, part of Exact Sciences
Classification: Uncertain significance for TTC21B-related condition. Last evaluated: 2025-08-11. Review status: criteria provided, single submitter. Criteria: ACMG Guidelines, 2015. Collection method: clinical testing. Allele origin: germline.
Comment: The TTC21B c.2789C>T variant is predicted to result in the amino acid substitution p.Ala930Val. To our knowledge, this variant has not been reported in the literature. This variant is reported in 0.0026% of alleles in individuals of European (Non-Finnish) descent in gnomAD. At this time, the clinical significance of this variant is uncertain due to the absence of conclusive functional and genetic evidence.

Blueprint Genetics
Classification: Uncertain significance. Last evaluated: 2019-06-22. Review status: criteria provided, single submitter. Criteria: ACMG Guidelines, 2015. Collection method: clinical testing. Allele origin: germline.

NM_024753.5(TTC21B):c.2789C>T (p.Ala930Val)

Gene: TTC21B (tetratricopeptide repeat domain 21B; minus strand). Cytogenetic location: 2q24.3.
Variant type: single nucleotide variant.
Coding change: c.2789C>T on transcript NM_024753.5 (MANE Select); coding-DNA position 2789, C replaced by T.
Protein change: p.Ala930Val; replaces alanine 930 with valine.
Molecular consequence: missense variant.
Genome position (GRCh38, 1-based): chr2:165,899,849, G>A on the plus strand (C>T on the coding strand, the complement: TTC21B is on the minus strand). VCF-style: chr2-165899849-G-A. GRCh37 (hg19) VCF-style: chr2-166756359-G-A.
Other names: c.2789C>T (NM_024753.4); short protein forms A930V.
Identifiers: ClinVar variation 4633881 (VCV004633881.3).